The following is an entry in ClinVar:

NM_001379659.1(ZNF142):c.4673C>T (p.Ala1558Val)

Gene: ZNF142 (zinc finger protein 142; minus strand). Cytogenetic location: 2q35.
Variant type: single nucleotide variant.
Coding change: c.4673C>T on transcript NM_001379659.1 (MANE Select); coding-DNA position 4673, C replaced by T.
Protein change: p.Ala1558Val; replaces alanine 1558 with valine.
Molecular consequence: missense variant.
Genome position (GRCh38, 1-based): chr2:218,642,443, G>A on the plus strand (C>T on the coding strand, the complement: ZNF142 is on the minus strand). VCF-style: chr2-218642443-G-A. GRCh37 (hg19) VCF-style: chr2-219507166-G-A.
Other names: c.3584C>T, p.Ala1195Val (NM_001366287.3, NM_001366288.3, NM_001366289.3); c.4673C>T, p.Ala1558Val (NM_001366290.3, NM_001379660.1, NM_001379661.1); c.4073C>T, p.Ala1358Val (NM_001366291.3, NM_001105537.5, NM_001379662.1); short protein forms A1195V, A1358V, A1558V.
Identifiers: ClinVar variation 3042245 (VCV003042245.2), dbSNP rs114603798, ClinGen allele CA2108720.

ClinVar aggregate classification (germline): Benign (0 of 4 stars; one submission).

Conditions:
ZNF142-related disorder. Also called: ZNF142-related condition.

Allele frequency attached by ClinVar (database versions not stated): ESP Exome Variant Server 0.01345; 1000 Genomes Project 30x 0.01421; 1000 Genomes Project 0.01458.
gnomAD v4.1: 29,712 of 1,612,474 alleles (1.8%); highest among the groups gnomAD compares: South Asian, 4.4%; 386 homozygotes.

Submission:

PreventionGenetics, part of Exact Sciences
Classification: Benign for ZNF142-related condition. Last evaluated: 2024-04-05. Review status: no assertion criteria provided. Collection method: clinical testing. Allele origin: germline.
Comment: This variant is classified as benign based on ACMG/AMP sequence variant interpretation guidelines (Richards et al. 2015 PMID: 25741868, with internal and published modifications).